The following is an entry in ClinVar:

ClinVar aggregate classification (germline): Uncertain significance (1 of 4 stars; one submission).

gnomAD v4.1: 1 of 1,206,256 alleles (0.000083%); highest among the groups gnomAD compares: East Asian, 0.003%; no homozygotes.

Submissions (2):

GeneDx
Classification: Uncertain significance. Last evaluated: 2024-05-04. Review status: criteria provided, single submitter. Criteria: GeneDx Variant Classification Process June 2021. Collection method: clinical testing. Allele origin: germline. Affected: yes.
Comment: Not observed at significant frequency in large population cohorts (gnomAD); In silico analysis indicates that this missense variant does not alter protein structure/function; Has not been previously published as pathogenic or benign to our knowledge

Dr. Peter K. Rogan Lab, Western University
No classification provided (evidence only). Condition: Thyroid cancer, nonmedullary, 1. Review status: no classification provided. Collection method: in vitro. Allele origin: not applicable. Functional consequence: retained intron. Not counted in ClinVar's aggregate classification.

NM_006521.6(TFE3):c.634G>T (p.Ala212Ser)

Gene: TFE3 (transcription factor binding to IGHM enhancer 3; minus strand). Cytogenetic location: Xp11.23.
Variant type: single nucleotide variant.
Coding change: c.634G>T on transcript NM_006521.6 (MANE Select); coding-DNA position 634, G replaced by T.
Protein change: p.Ala212Ser; replaces alanine 212 with serine.
Molecular consequence: missense variant.
Genome position (GRCh38, 1-based): chrX:49,038,343, C>A on the plus strand (G>T on the coding strand, the complement: TFE3 is on the minus strand). VCF-style: chrX-49038343-C-A. GRCh37 (hg19) VCF-style: chrX-48895868-C-A.
Other names: NC_000023.10:g.48895868C>A; c.319G>T, p.Ala107Ser (NM_001282142.2); short protein forms A107S, A212S.
Identifiers: ClinVar variation 3375913 (VCV003375913.2).